The following is an entry in ClinVar:

NM_000235.4(LIPA):c.520del (p.Ser174fs)

Gene: LIPA (lipase A, lysosomal acid type; minus strand). Cytogenetic location: 10q23.31.
Variant type: Deletion.
Coding change: c.520del on transcript NM_000235.4 (MANE Select); coding-DNA position 520, one base deleted (T; older notation c.520delT).
Protein change: p.Ser174fs; shifts the reading frame from serine 174.
Molecular consequence: frameshift variant.
Genome position (GRCh38, 1-based): chr10:89,226,913, A deleted on the plus strand (T on the coding strand, the reverse complement: LIPA is on the minus strand); the first of 2 consecutive A bases (chr10:89,226,913-89,226,914); deleting either gives the same sequence. VCF-style (leftmost placement, unchanged base first): chr10-89226912-GA-G. GRCh37 (hg19) VCF-style: chr10-90986669-GA-G.
Other names: c.520del, p.Ser174fs (NM_001127605.3, NM_001440818.1, NM_001440819.1 and 16 more transcripts); c.172del, p.Ser58fs (NM_001288979.2); c.652del, p.Ser218fs (NM_001440836.1); c.541del, p.Ser181fs (NM_001440837.1); c.535del, p.Ser179fs (NM_001440838.1); c.352del, p.Ser118fs (NM_001440839.1); short protein forms S118fs, S174fs, S179fs, S181fs, S218fs, S58fs.
Identifiers: ClinVar variation 4817958 (VCV004817958.1).
Genomic context (GRCh38, chr10:89,226,912, plus strand): 5'-ATGAAGAATTTATATCAACTTCTGATCTTATTTACATACATACCTATAGTGGTGCCTTGA[GA>G]ATGACCCACATAATACACTTGTTCTTGGCCAGTTTTATTCAGAATGAAGTTAATGGAAGC-3'

ClinVar aggregate classification (germline): Likely pathogenic (1 of 4 stars; one submission).

Conditions:
Lysosomal acid lipase deficiency. Also called: Acid cholesteryl ester hydrolase deficiency, type 2. Identifiers: Orphanet 275761, MedGen C5574740, MONDO:0800449, MONDO:0010204.

Submission:

Natera, Inc.
Classification: Likely pathogenic for Lysosomal acid lipase deficiency. Last evaluated: 2024-04-23. Review status: criteria provided, single submitter. Criteria: Natera Variant Classification Schema (03/2026). Collection method: clinical testing. Allele origin: germline.
Comment: The c.520delT variant in LIPA is a frameshift variant predicted to shift the reading frame beginning at codon 174 and leads to a stop codon 6 codons downstream. This variant is expected to result in nonsense mediated decay, truncation, or a dysfunctional protein product. This variant is rare in the general population with a frequency below the threshold expected for the associated phenotype(s). Given the available evidence, this variant is classified as Likely Pathogenic.